The following is an entry in ClinVar:

NM_002354.3(EPCAM):c.671C>T (p.Ser224Phe)

Gene: EPCAM (epithelial cell adhesion molecule; plus strand). Cytogenetic location: 2p21.
Variant type: single nucleotide variant.
Coding change: c.671C>T on transcript NM_002354.3 (MANE Select); coding-DNA position 671, C replaced by T.
Protein change: p.Ser224Phe; replaces serine 224 with phenylalanine.
Molecular consequence: missense variant.
Genome position (GRCh38, 1-based): chr2:47,379,782, C>T. VCF-style: chr2-47379782-C-T. GRCh37 (hg19) VCF-style: chr2-47606921-C-T.
Other names: short protein forms S224F.
Identifiers: ClinVar variation 2624799 (VCV002624799.2), dbSNP rs2103758738, ClinGen allele CA346724349.

ClinVar aggregate classification (germline): Uncertain significance (1 of 4 stars; one submission).

Conditions:
Hereditary cancer-predisposing syndrome. Also called: Tumor predisposition; Hereditary Cancer Syndrome; Hereditary neoplastic syndrome; Neoplastic Syndromes, Hereditary. Identifiers: Orphanet 140162, MedGen C0027672, MeSH D009386, MONDO:0015356.

Allele frequency attached by ClinVar (database versions not stated): gnomAD exomes below 0.00001.
gnomAD v4.1: 1 of 1,613,230 alleles (0.000062%); highest among the groups gnomAD compares: African/African-American, 0.0013%; no homozygotes.

Submission:

Ambry Genetics
Classification: Uncertain significance for Hereditary cancer-predisposing syndrome. Last evaluated: 2023-09-09. Review status: criteria provided, single submitter. Criteria: Ambry Variant Classification Scheme 2023. Collection method: clinical testing. Allele origin: germline.
Comment: The p.S224F variant (also known as c.671C>T), located in coding exon 7 of the EPCAM gene, results from a C to T substitution at nucleotide position 671. The serine at codon 224 is replaced by phenylalanine, an amino acid with highly dissimilar properties. This amino acid position is conserved. In addition, the in silico prediction for this alteration is inconclusive. Since supporting evidence is limited at this time, the clinical significance of this alteration remains unclear.